The following is an entry in ClinVar:

ClinVar aggregate classification (germline): Benign. Review status: criteria provided, multiple submitters, no conflicts (2 of 4 stars). 3 submissions from 3 submitters: Benign (3). Last evaluated 2026-02-01.

Allele frequency attached by ClinVar (database versions not stated): gnomAD exomes 0.00346 and 0.00515; ExAC 0.00769; gnomAD 0.02162 and 0.02339; 1000 Genomes Project 0.02177; 1000 Genomes Project 30x 0.02358; TOPMed 0.02439.
gnomAD v4.1: 8,241 of 1,551,674 alleles (0.53%); highest among the groups gnomAD compares: African/African-American, 7.3%; 220 homozygotes.

Submissions (3):

Labcorp Genetics (formerly Invitae), Labcorp
Classification: Benign. Last evaluated: 2026-02-01. Review status: criteria provided, single submitter. Criteria: Invitae Variant Classification Sherloc (09022015). Collection method: clinical testing. Allele origin: germline.

Athena Diagnostics
Classification: Benign. Last evaluated: 2018-05-24. Review status: criteria provided, single submitter. Criteria: Athena Diagnostics Criteria. Collection method: clinical testing. Allele origin: germline.

GeneDx
Classification: Benign. Last evaluated: 2017-10-23. Review status: criteria provided, single submitter. Criteria: GeneDx Variant Classification (06012015). Collection method: clinical testing. Allele origin: germline. Affected: yes.
Comment: This variant is considered likely benign or benign based on one or more of the following criteria: it is a conservative change, it occurs at a poorly conserved position in the protein, it is predicted to be benign by multiple in silico algorithms, and/or has population frequency not consistent with disease.

NM_001286445.3(RIPOR2):c.1164+402C>G

Gene: RIPOR2 (RHO family interacting cell polarization regulator 2; minus strand). Cytogenetic location: 6p22.3.
Variant type: single nucleotide variant.
Coding change: c.1164+402C>G on transcript NM_001286445.3 (MANE Select); 402 bases into the intron after coding-DNA position 1164, C replaced by G.
Molecular consequence: intron variant. On other transcripts: missense variant (1).
Genome position (GRCh38, 1-based): chr6:24,847,623, G>C on the plus strand (C>G on the coding strand, the complement: RIPOR2 is on the minus strand). VCF-style: chr6-24847623-G-C. GRCh37 (hg19) VCF-style: chr6-24847851-G-C.
Other names: c.1146C>G, p.Phe382Leu (NM_014722.5); c.1077+402C>G (NM_001346031.2, NM_001346032.2, NM_015864.5 and 1 more transcripts); c.1179+402C>G (NM_001286446.3); short protein forms F382L.
Identifiers: ClinVar variation 509125 (VCV000509125.11), dbSNP rs74477879, ClinGen allele CA3659305.